The following is an entry in ClinVar:

ClinVar aggregate classification (germline): Uncertain significance. Review status: criteria provided, multiple submitters, no conflicts (2 of 4 stars). 2 submissions from 2 submitters: Uncertain significance (2). Last evaluated 2025-05-19.

Conditions:
Inborn genetic diseases. Identifiers: MedGen C0950123, MeSH D030342.

Allele frequency attached by ClinVar (database versions not stated): gnomAD exomes 0.00001 and 0.00002; ExAC 0.00003; gnomAD 0.00005 and 0.00006; TOPMed 0.00005.
gnomAD v4.1: 18 of 1,614,014 alleles (0.0011%); highest among the groups gnomAD compares: African/African-American, 0.011%; no homozygotes.

Submissions (2):

Ambry Genetics
Classification: Uncertain significance for Inborn genetic diseases. Last evaluated: 2025-05-19. Review status: criteria provided, single submitter. Criteria: Ambry Variant Classification Scheme 2023. Collection method: clinical testing. Allele origin: germline.

Laboratory for Molecular Medicine, Mass General Brigham Personalized Medicine
Classification: Uncertain significance. Last evaluated: 2016-03-31. Review status: criteria provided, single submitter. Criteria: LMM Criteria. Collection method: clinical testing. Allele origin: germline. Observed: 1 variant allele.
Comment: The p.Arg168Cys variant in HARS2 has not been previously reported in individuals with hearing loss or Perrault syndrome, but has been identified in 3/66740 of E uropean chromosomes and 1/10406 of African chromosomes by the Exome Aggregation Consortium (ExAC; dbSNP rs761054820). Although t his variant has been seen in the general population, its frequency is not high e nough to rule out a pathogenic role. Computational prediction tools and conserva tion analysis suggest that the p.Arg168Cys variant may impact the protein, thoug h this information is not predictive enough to determine pathogenicity. In summa ry, the clinical significance of the p.Arg168Cys variant is uncertain.

NM_012208.4(HARS2):c.502C>T (p.Arg168Cys)

Gene: HARS2 (histidyl-tRNA synthetase 2, mitochondrial; plus strand). Cytogenetic location: 5q31.3.
Variant type: single nucleotide variant.
Coding change: c.502C>T on transcript NM_012208.4 (MANE Select); coding-DNA position 502, C replaced by T.
Protein change: p.Arg168Cys; replaces arginine 168 with cysteine.
Molecular consequence: missense variant. On other transcripts: intron variant (1).
Genome position (GRCh38, 1-based): chr5:140,695,610, C>T. VCF-style: chr5-140695610-C-T. GRCh37 (hg19) VCF-style: chr5-140075195-C-T.
Other names: c.427C>T, p.Arg143Cys (NM_001278731.2); c.520C>T, p.Arg174Cys (NM_001363535.2); c.292C>T, p.Arg98Cys (NM_001363536.2); c.94-128C>T (NM_001278732.2); short protein forms R168C, R143C, R174C, R98C.
Identifiers: ClinVar variation 228739 (VCV000228739.5), dbSNP rs761054820, ClinGen allele CA3444445.